The following is an entry in ClinVar:

ClinVar aggregate classification (germline): Uncertain significance (1 of 4 stars; one submission).

Conditions:
Hereditary cancer-predisposing syndrome. Also called: Tumor predisposition; Neoplastic Syndromes, Hereditary; Hereditary neoplastic syndrome; Hereditary Cancer Syndrome. Identifiers: Orphanet 140162, MedGen C0027672, MeSH D009386, MONDO:0015356.

Submission:

Ambry Genetics
Classification: Uncertain significance for Hereditary cancer-predisposing syndrome. Last evaluated: 2025-09-02. Review status: criteria provided, single submitter. Criteria: Ambry Variant Classification Scheme 2023. Collection method: clinical testing. Allele origin: germline.
Comment: The p.E1123D variant (also known as c.3369A>T), located in coding exon 5 of the MSH6 gene, results from an A to T substitution at nucleotide position 3369. The glutamic acid at codon 1123 is replaced by aspartic acid, an amino acid with highly similar properties. This amino acid position is conserved. In addition, this alteration is predicted to be tolerated by in silico analysis. Based on the available evidence, the clinical significance of this variant remains unclear.

NM_000179.3(MSH6):c.3369A>T (p.Glu1123Asp)

Gene: MSH6 (mutS homolog 6; plus strand). Cytogenetic location: 2p16.3.
Variant type: single nucleotide variant.
Coding change: c.3369A>T on transcript NM_000179.3 (MANE Select); coding-DNA position 3369, A replaced by T.
Protein change: p.Glu1123Asp; replaces glutamic acid 1123 with aspartic acid.
Molecular consequence: missense variant. On other transcripts: non-coding transcript variant (5).
Genome position (GRCh38, 1-based): chr2:47,803,616, A>T. VCF-style: chr2-47803616-A-T. GRCh37 (hg19) VCF-style: chr2-48030755-A-T.
Other names: c.2979A>T, p.Glu993Asp (NM_001281492.2); c.2463A>T, p.Glu821Asp (NM_001281493.2, NM_001281494.2, NM_001406811.1 and 6 more transcripts); c.3465A>T, p.Glu1155Asp (NM_001406795.1, NM_001406802.1); c.3369A>T, p.Glu1123Asp (NM_001406796.1, NM_001406800.1, NM_001406808.1 and 1 more transcripts); c.3072A>T, p.Glu1024Asp (NM_001406797.1, NM_001406801.1, NM_001406805.1 and 10 more transcripts); c.3195A>T, p.Glu1065Asp (NM_001406798.1); c.2844A>T, p.Glu948Asp (NM_001406799.1, NM_001406806.1, NM_001406807.1); c.2505A>T, p.Glu835Asp (NM_001406803.1); and 7 more; short protein forms E1024D, E1097D, E1155D, E1125D, E835D, E1065D, E1123D, E438D.
Identifiers: ClinVar variation 4111166 (VCV004111166.1).